The following is an entry in ClinVar:

NM_000169.3(GLA):c.865A>T (p.Ile289Phe)

Genes: GLA (galactosidase alpha; minus strand), RPL36A-HNRNPH2 (RPL36A-HNRNPH2 readthrough; plus strand). Cytogenetic location: Xq22.1.
Variant type: single nucleotide variant.
Coding change: c.865A>T on transcript NM_000169.3 (MANE Select); coding-DNA position 865, A replaced by T.
Protein change: p.Ile289Phe; replaces isoleucine 289 with phenylalanine.
Molecular consequence: missense variant. On other transcripts: non-coding transcript variant (3), intron variant (2).
Genome position (GRCh38, 1-based): chrX:101,398,504, T>A on the plus strand (A>T on the coding strand, the complement: GLA is on the minus strand). VCF-style: chrX-101398504-T-A. GRCh37 (hg19) VCF-style: chrX-100653492-T-A.
Other names: c.988A>T, p.Ile330Phe (NM_001406747.1); c.865A>T, p.Ile289Phe (NM_001406748.1); c.300+3047T>A (NM_001199973.2); c.177+6682T>A (NM_001199974.2); short protein forms I330F.
Identifiers: ClinVar variation 92568 (VCV000092568.14), dbSNP rs140329381, ClinGen allele CA022134.
Genomic context (GRCh38, chrX:101,398,504, plus strand): 5'-CTTTGGCTTGAGGGCTGATGTGTCGGAGGTCATTAGACATGAATAAAGGAGCAGCCATGA[T>A]AGCCCAGAGGGCCATCTGAGTTACTTGCTGATTCCAGCTGAGGCCAAAGTTGCCAATCAC-3'
Protein context (NP_000160.1, residues 279-299): QQVTQMALWA[Ile289Phe]MAAPLFMSND

ClinVar aggregate classification (germline): Conflicting classifications of pathogenicity. Review status: criteria provided, conflicting classifications (1 of 4 stars). 4 submissions from 4 submitters: Pathogenic (1); Likely pathogenic (2); Uncertain significance (1). Last evaluated 2026-09-08.

Conditions:
Fabry disease. Also called: Ceramide trihexosidosis; Fabry's disease; HEREDITARY DYSTOPIC LIPIDOSIS; Angiokeratoma corporis diffusum; ALPHA-GALACTOSIDASE A DEFICIENCY; ANDERSON-FABRY DISEASE. Identifiers: Orphanet 324, MedGen C0002986, MONDO:0010526, OMIM 301500, HP:0001071. Disease mechanism: Fabry disease is due to inactivating mutations in the X-linked GLA gene resulting in deficiency of the enzyme Alpha Galactosidase-A., loss of function.

Submissions (4):

Genomenon, Inc
Classification: Likely pathogenic for Fabry disease. Last evaluated: 2026-09-08. Review status: criteria provided, single submitter. Criteria: Genomenon Sequence Variant Interpretation Standards - Updated. Collection method: curation. Allele origin: germline. Affected: yes.
Comment: GLA p.Ile289Phe (c.865A>T) is a missense variant that changes the amino acid at codon 289 from Isoleucine to Phenylalanine. This variant has been observed in at least one proband with clinical features consistent with Fabry disease (PMID:30972193;10666480). At least one functional study has demonstrated a substantial alteration in protein function relative to the wild-type (PMID:21598360;27657681). It is absent or not present at a significant frequency in gnomAD. In silico models predict that this variant is possibly or probably damaging. In conclusion, we classify GLA p.Ile289Phe (c.865A>T) as a likely pathogenic variant.

Labcorp Genetics (formerly Invitae), Labcorp
Classification: Uncertain significance for Fabry disease. Last evaluated: 2024-03-13. Review status: criteria provided, single submitter. Criteria: Invitae Variant Classification Sherloc (09022015). Collection method: clinical testing. Allele origin: germline.
Comment: This sequence change replaces isoleucine, which is neutral and non-polar, with phenylalanine, which is neutral and non-polar, at codon 289 of the GLA protein (p.Ile289Phe). This variant is not present in population databases (gnomAD no frequency). This missense change has been observed in individual(s) with Fabry disease (PMID: 10666480). ClinVar contains an entry for this variant (Variation ID: 92568). Advanced modeling of protein sequence and biophysical properties (such as structural, functional, and spatial information, amino acid conservation, physicochemical variation, residue mobility, and thermodynamic stability) performed at Invitae indicates that this missense variant is not expected to disrupt GLA protein function with a negative predictive value of 80%. Experimental studies have shown that this missense change affects GLA function (PMID: 21598360). In summary, the available evidence is currently insufficient to determine the role of this variant in disease. Therefore, it has been classified as a Variant of Uncertain Significance.

Revvity Omics, Revvity
Classification: Likely pathogenic. Last evaluated: 2019-10-17. Review status: criteria provided, single submitter. Criteria: ACMG Guidelines, 2015. Collection method: clinical testing. Allele origin: germline.

Eurofins Ntd Llc (ga)
Classification: Pathogenic. Last evaluated: 2017-09-14. Review status: criteria provided, single submitter. Criteria: EGL Classification Definitions 2015. Collection method: clinical testing. Allele origin: germline. Observed: 9 variant alleles, 9 heterozygotes.

Literature cited by the submitters: PubMed 30972193 (cited by Genomenon, Inc); PubMed 10666480 (cited by Genomenon, Inc and Labcorp Genetics (formerly Invitae), Labcorp); PubMed 21598360 (cited by Genomenon, Inc and Labcorp Genetics (formerly Invitae), Labcorp); PubMed 27657681 (cited by Genomenon, Inc).